The following is an entry in ClinVar:

NM_001369.3(DNAH5):c.8648-2A>T

Gene: DNAH5 (dynein axonemal heavy chain 5; minus strand). Cytogenetic location: 5p15.2.
Variant type: single nucleotide variant.
Coding change: c.8648-2A>T on transcript NM_001369.3 (MANE Select); the canonical splice acceptor site of the intron before coding-DNA position 8648, A replaced by T.
Molecular consequence: splice acceptor variant.
Genome position (GRCh38, 1-based): chr5:13,786,353, T>A on the plus strand (A>T on the coding strand, the complement: DNAH5 is on the minus strand). VCF-style: chr5-13786353-T-A. GRCh37 (hg19) VCF-style: chr5-13786462-T-A.
Identifiers: ClinVar variation 2746497 (VCV002746497.3), dbSNP rs2546713854, ClinGen allele CA359215792.
Genomic context (GRCh38, chr5:13,786,353, plus strand): 5'-AGATTCAATTGGCTCATAAATTTTAGGTGTTTCAGCATCAGCCTCTTCAGATGTTTCACC[T>A]TTGGTGGGAAATAAGAATCAGTTAAGTTTCTGCAAATACCTGCATTTTACTTCAATCTAA-3'

ClinVar aggregate classification (germline): Likely pathogenic (1 of 4 stars; one submission).

Conditions:
Primary ciliary dyskinesia. Also called: Ciliary dyskinesia. Identifiers: Orphanet 244, MedGen C0008780, MONDO:0016575, HP:0012265.

Submission:

Labcorp Genetics (formerly Invitae), Labcorp
Classification: Likely pathogenic for Primary ciliary dyskinesia. Last evaluated: 2023-07-25. Review status: criteria provided, single submitter. Criteria: Invitae Variant Classification Sherloc (09022015). Collection method: clinical testing. Allele origin: germline.
Comment: In summary, the currently available evidence indicates that the variant is pathogenic, but additional data are needed to prove that conclusively. Therefore, this variant has been classified as Likely Pathogenic. Algorithms developed to predict the effect of sequence changes on RNA splicing suggest that this variant may disrupt the consensus splice site. This variant has not been reported in the literature in individuals affected with DNAH5-related conditions. This variant is not present in population databases (gnomAD no frequency). This sequence change affects an acceptor splice site in intron 51 of the DNAH5 gene. It is expected to disrupt RNA splicing. Variants that disrupt the donor or acceptor splice site typically lead to a loss of protein function (PMID: 16199547), and loss-of-function variants in DNAH5 are known to be pathogenic (PMID: 11788826, 16627867).

Literature cited by the submitters: PubMed 16199547; PubMed 11788826; PubMed 16627867.